The following is an entry in ClinVar:

NM_000488.4(SERPINC1):c.1141T>C (p.Ser381Pro)

Gene: SERPINC1 (serpin family C member 1; minus strand). Cytogenetic location: 1q25.1.
Variant type: single nucleotide variant.
Coding change: c.1141T>C on transcript NM_000488.4 (MANE Select); coding-DNA position 1141, T replaced by C.
Protein change: p.Ser381Pro; replaces serine 381 with proline.
Molecular consequence: missense variant.
Genome position (GRCh38, 1-based): chr1:173,909,564, A>G on the plus strand (T>C on the coding strand, the complement: SERPINC1 is on the minus strand). VCF-style: chr1-173909564-A-G. GRCh37 (hg19) VCF-style: chr1-173878702-A-G.
Other names: S349P; NM_000488.4(SERPINC1):c.1141T>C; c.997T>C, p.Ser333Pro (NM_001365052.2); c.1264T>C, p.Ser422Pro (NM_001386302.1); c.1222T>C, p.Ser408Pro (NM_001386303.1); c.1120T>C, p.Ser374Pro (NM_001386304.1); c.1084T>C, p.Ser362Pro (NM_001386305.1); c.925T>C, p.Ser309Pro (NM_001386306.1); short protein forms S381P, S333P, S309P, S362P, S374P, S408P, S422P.
Identifiers: ClinVar variation 18032 (VCV000018032.5), dbSNP rs121909565, ClinGen allele CA210783.

ClinVar aggregate classification (germline): Uncertain significance. Review status: reviewed by expert panel (3 of 4 stars). 3 submissions from 3 submitters: Uncertain significance (1). 2 of the submissions do not count toward it. Last evaluated 2024-12-20.

Conditions:
Hereditary antithrombin deficiency (AT3D). Also called: Antithrombin III deficiency; Antithrombin deficiency; Thrombophilia due to antithrombin III deficiency; Reduced antithrombin III activity. Identifiers: Orphanet 82, MedGen C0272375, MONDO:0013144, OMIM 613118, HP:0001976.

Submissions (3):

Clingen Thrombosis Variant Curation Expert Panel, ClinGen
Classification: Uncertain significance for Hereditary antithrombin deficiency. Last evaluated: 2024-12-20. Review status: reviewed by expert panel. Criteria: ClinGen ACMG Specifications SERPINC1 V1.0.0. Collection method: curation. Allele origin: germline. Inheritance: Autosomal dominant inheritance.
Comment: The c.1141T>C variant in SERPINC1 is a missense variant predicted to cause substitution of serine by proline at amino acid 381 (p.Ser381Pro). This variant has been reported in 2 probands meeting an antithrombin activity level of < 0.8 IU/mL. Only one had a family history of disease supported with reported antithrombin activity levels (PS4_Supporting; PMIDs: 1551681, 30975910). The variant has been reported to segregate with hereditary antithrombin deficiency in two affected meioses from one family (PP1; PMID:1551681). This variant is absent from gnomAD v4.1.0 (PM2_Supporting). The computational predictor REVEL gives a score of 0.616, which is above the threshold of 0.6, evidence that correlates with impact to SERPINC1 function (PP3). In summary, this variant meets the criteria to be classified as uncertain significance due to insufficient evidence for autosomal dominant hereditary antithrombin deficiency based on the ACMG/AMP criteria applied, as specified by the ClinGen Thrombosis VCEP: PP1, PP3, PM2_Supporting, PS4_Supporting. (ClinGen Thrombosis Expert Panel Specifications to the ACMG/AMP Variant Interpretation Guidelines for SERPINC1 Version 1.0.0; date of approval)

Labcorp Genetics (formerly Invitae), Labcorp
Classification: Likely pathogenic for Hereditary antithrombin deficiency. Last evaluated: 2023-11-13. Review status: criteria provided, single submitter. Criteria: Invitae Variant Classification Sherloc (09022015). Collection method: clinical testing. Allele origin: germline. Not counted in ClinVar's aggregate classification.
Comment: This sequence change replaces serine, which is neutral and polar, with proline, which is neutral and non-polar, at codon 381 of the SERPINC1 protein (p.Ser381Pro). This variant is not present in population databases (gnomAD no frequency). This missense change has been observed in individual(s) with autosomal dominant antithrombin deficiency (PMID: 1551681, 30975910). It has also been observed to segregate with disease in related individuals. This variant is also known as Ser349Pro. ClinVar contains an entry for this variant (Variation ID: 18032). Advanced modeling of protein sequence and biophysical properties (such as structural, functional, and spatial information, amino acid conservation, physicochemical variation, residue mobility, and thermodynamic stability) performed at Invitae indicates that this missense variant is not expected to disrupt SERPINC1 protein function with a negative predictive value of 80%. This variant disrupts the p.Ser381 amino acid residue in SERPINC1. Other variant(s) that disrupt this residue have been observed in individuals with SERPINC1-related conditions (PMID: 29153735), which suggests that this may be a clinically significant amino acid residue. In summary, the currently available evidence indicates that the variant is pathogenic, but additional data are needed to prove that conclusively. Therefore, this variant has been classified as Likely Pathogenic.

OMIM
Classification: Pathogenic for THROMBOPHILIA DUE TO ANTITHROMBIN III DEFICIENCY. Last evaluated: 1992-03-01. Review status: no assertion criteria provided. Collection method: literature only. Allele origin: germline. Not counted in ClinVar's aggregate classification.

Literature cited by the submitters: PubMed 1551681 (cited by Labcorp Genetics (formerly Invitae), Labcorp and OMIM); PubMed 30975910 (cited by Labcorp Genetics (formerly Invitae), Labcorp); PubMed 29153735 (cited by Labcorp Genetics (formerly Invitae), Labcorp).